The following is an entry in ClinVar:

NM_001845.6(COL4A1):c.4425C>T (p.Tyr1475=)

Gene: COL4A1 (collagen type IV alpha 1 chain; minus strand). Cytogenetic location: 13q34.
Variant type: single nucleotide variant.
Coding change: c.4425C>T on transcript NM_001845.6 (MANE Select); coding-DNA position 4425, C replaced by T.
Protein change: p.Tyr1475=; no amino-acid change (tyrosine 1475 retained).
Molecular consequence: synonymous variant.
Genome position (GRCh38, 1-based): chr13:110,162,267, G>A on the plus strand (C>T on the coding strand, the complement: COL4A1 is on the minus strand). VCF-style: chr13-110162267-G-A. GRCh37 (hg19) VCF-style: chr13-110814614-G-A.
Identifiers: ClinVar variation 1585404 (VCV001585404.12), dbSNP rs772482135, ClinGen allele CA7046942.

ClinVar aggregate classification (germline): Likely benign. Review status: criteria provided, multiple submitters, no conflicts (2 of 4 stars). 2 submissions from 2 submitters: Likely benign (2). Last evaluated 2026-02-01.

Allele frequency attached by ClinVar (database versions not stated): ExAC 0.00002; gnomAD exomes 0.00002 and 0.00003.
gnomAD v4.1: 45 of 1,614,208 alleles (0.0028%); highest among the groups gnomAD compares: South Asian, 0.0044%; no homozygotes.

Submissions (2):

CeGaT Center for Human Genetics Tuebingen
Classification: Likely benign. Last evaluated: 2026-02-01. Review status: criteria provided, single submitter. Criteria: CeGaT Center For Human Genetics Tuebingen Variant Classification Criteria Version 2. Collection method: clinical testing. Allele origin: germline. Affected: yes. Observed: 1 variant allele.
Comment: COL4A1: BP4, BP7

Labcorp Genetics (formerly Invitae), Labcorp
Classification: Likely benign. Last evaluated: 2025-07-25. Review status: criteria provided, single submitter. Criteria: Invitae Variant Classification Sherloc (09022015). Collection method: clinical testing. Allele origin: germline.